The following is an entry in ClinVar:

NM_022489.4(INF2):c.2239+256G>A

Gene: INF2 (inverted formin 2; plus strand). Cytogenetic location: 14q32.33.
Variant type: single nucleotide variant.
Coding change: c.2239+256G>A on transcript NM_022489.4 (MANE Select); 256 bases into the intron after coding-DNA position 2239, G replaced by A.
Molecular consequence: intron variant.
Genome position (GRCh38, 1-based): chr14:104,710,444, G>A. VCF-style: chr14-104710444-G-A. GRCh37 (hg19) VCF-style: chr14-105176781-G-A.
Other names: c.2239+256G>A (NM_001031714.4).
Identifiers: ClinVar variation 683641 (VCV000683641.1), dbSNP rs12882277, ClinGen allele CA14046123.

ClinVar aggregate classification (germline): Benign (1 of 4 stars; one submission).

Allele frequency attached by ClinVar (database versions not stated): 1000 Genomes Project 0.60863; TOPMed 0.65441; gnomAD 0.65623 and 0.66145.
gnomAD v4.1: 96,911 of 147,670 alleles (66%); highest among the groups gnomAD compares: African/African-American, 71%; 31,431 homozygotes.

Submission:

GeneDx
Classification: Benign. Last evaluated: 2018-06-19. Review status: criteria provided, single submitter. Criteria: GeneDx Variant Classification (06012015). Collection method: clinical testing. Allele origin: germline. Affected: yes.
Comment: This variant is considered likely benign or benign based on one or more of the following criteria: it is a conservative change, it occurs at a poorly conserved position in the protein, it is predicted to be benign by multiple in silico algorithms, and/or has population frequency not consistent with disease.